The following is an entry in ClinVar:

NM_001330360.2(POLA1):c.622G>T (p.Val208Phe)

Gene: POLA1 (DNA polymerase alpha 1, catalytic subunit; plus strand). Cytogenetic location: Xp22.11.
Variant type: single nucleotide variant.
Coding change: c.622G>T on transcript NM_001330360.2 (MANE Select); coding-DNA position 622, G replaced by T.
Protein change: p.Val208Phe; replaces valine 208 with phenylalanine.
Molecular consequence: missense variant. On other transcripts: non-coding transcript variant (2).
Genome position (GRCh38, 1-based): chrX:24,716,887, G>T. VCF-style: chrX-24716887-G-T. GRCh37 (hg19) VCF-style: chrX-24735004-G-T.
Other names: c.622G>T, p.Val208Phe (NM_001378303.1); c.604G>T, p.Val202Phe (NM_016937.4); short protein forms V208F, V202F.
Identifiers: ClinVar variation 1919765 (VCV001919765.5), dbSNP rs376454156, ClinGen allele CA10372833.

ClinVar aggregate classification (germline): Uncertain significance (1 of 4 stars; one submission).

Allele frequency attached by ClinVar (database versions not stated): ExAC 0.00001; gnomAD 0.00001; gnomAD exomes 0.00001; TOPMed 0.00001; ESP Exome Variant Server 0.00009.
gnomAD v4.1: 16 of 1,176,888 alleles (0.0014%); highest among the groups gnomAD compares: Non-Finnish European, 0.0016%; no homozygotes.

Submission:

Labcorp Genetics (formerly Invitae), Labcorp
Classification: Uncertain significance. Last evaluated: 2022-03-31. Review status: criteria provided, single submitter. Criteria: Invitae Variant Classification Sherloc (09022015). Collection method: clinical testing. Allele origin: germline.
Comment: This sequence change replaces valine, which is neutral and non-polar, with phenylalanine, which is neutral and non-polar, at codon 202 of the POLA1 protein (p.Val202Phe). In summary, the available evidence is currently insufficient to determine the role of this variant in disease. Therefore, it has been classified as a Variant of Uncertain Significance. Algorithms developed to predict the effect of missense changes on protein structure and function are either unavailable or do not agree on the potential impact of this missense change (SIFT: "Deleterious"; PolyPhen-2: "Benign"; Align-GVGD: "Class C0"). This variant has not been reported in the literature in individuals affected with POLA1-related conditions. This variant is present in population databases (rs376454156, gnomAD 0.001%), including at least one homozygous and/or hemizygous individual.